The following is an entry in ClinVar:

NM_007294.4(BRCA1):c.3952_3955del (p.Ile1318fs)

Genes: BRCA1 (BRCA1 DNA repair associated; minus strand), LOC126862571 (BRD4-independent group 4 enhancer GRCh37_chr17:41243136-41244335; plus strand). Cytogenetic location: 17q21.31.
Variant type: Deletion.
Coding change: c.3952_3955del on transcript NM_007294.4 (MANE Select); coding-DNA positions 3952 to 3955, 4 bases deleted (ATTG; older notation c.3952_3955delATTG).
Protein change: p.Ile1318fs; shifts the reading frame from isoleucine 1318.
Molecular consequence: frameshift variant. On other transcripts: intron variant (135).
Genome position (GRCh38, 1-based): chr17:43,091,576-43,091,579, CAAT deleted on the plus strand (ATTG on the coding strand, the reverse complement: BRCA1 is on the minus strand); deleting any 4 consecutive bases within chr17:43,091,576-43,091,582 gives the same sequence; the c. name uses the placement nearest the transcript's 3' end. VCF-style (leftmost placement, unchanged base first): chr17-43091575-CCAAT-C. GRCh37 (hg19) VCF-style: chr17-41243592-CCAAT-C.
Other names: 4071del4; c.3739_3742del, p.Ile1247fs (NM_001407571.1, NM_001407853.1, NM_001407894.1 and 9 more transcripts); c.3952_3955del, p.Ile1318fs (NM_001407581.1, NM_001407582.1, NM_001407583.1 and 30 more transcripts); c.3949_3952del, p.Ile1317fs (NM_001407587.1, NM_001407590.1, NM_001407591.1 and 22 more transcripts); c.3943_3946del, p.Ile1315fs (NM_001407646.1, NM_001407647.1); c.3829_3832del, p.Ile1277fs (NM_001407648.1, NM_001407664.1, NM_001407665.1 and 19 more transcripts); c.3826_3829del, p.Ile1276fs (NM_001407649.1, NM_001407670.1, NM_001407671.1 and 11 more transcripts); c.3874_3877del, p.Ile1292fs (NM_001407653.1, NM_001407654.1, NM_001407655.1 and 4 more transcripts); and 43 more; short protein forms I1271fs, I1318fs, I1022fs, I1190fs, I1206fs, I1207fs, I1248fs, I1251fs.
Identifiers: ClinVar variation 266420 (VCV000266420.7), dbSNP rs886040178, ClinGen allele CA10589711.

ClinVar aggregate classification (germline): Pathogenic. Review status: reviewed by expert panel (3 of 4 stars). 2 submissions from 2 submitters: Pathogenic (1). 1 of the submissions does not count toward it. Last evaluated 2016-10-18.

Conditions:
Breast-ovarian cancer, familial, susceptibility to, 1 (BROVCA1). Also called: BRCA1 Hereditary Breast and Ovarian Cancer; OVARIAN CANCER, SUSCEPTIBILITY TO. Identifiers: Orphanet 145, MedGen C2676676, MONDO:0011450, OMIM 604370. Disease mechanism: loss of function.

Submissions (2):

Evidence-based Network for the Interpretation of Germline Mutant Alleles (ENIGMA)
Classification: Pathogenic for Breast-ovarian cancer, familial, susceptibility to, 1. Last evaluated: 2016-10-18. Review status: reviewed by expert panel. Criteria: ENIGMA BRCA1/2 Classification Criteria (2015). Collection method: curation. Allele origin: germline.
Comment: Variant allele predicted to encode a truncated non-functional protein.

Consortium of Investigators of Modifiers of BRCA1/2 (CIMBA), c/o University of Cambridge
Classification: Pathogenic for Breast-ovarian cancer, familial, susceptibility to, 1. Last evaluated: 2015-10-02. Review status: criteria provided, single submitter. Criteria: CIMBA Mutation Classification guidelines May 2016. Collection method: clinical testing. Allele origin: germline. Not counted in ClinVar's aggregate classification.